The following is an entry in ClinVar:

NM_000038.6(APC):c.4689_4692del (p.Leu1564fs)

Gene: APC (APC regulator of Wnt signaling pathway; plus strand). Cytogenetic location: 5q22.2.
Variant type: Deletion.
Coding change: c.4689_4692del on transcript NM_000038.6 (MANE Select); coding-DNA positions 4689 to 4692, 4 bases deleted (ATTA; older notation c.4689_4692delATTA).
Protein change: p.Leu1564fs; shifts the reading frame from leucine 1564.
Molecular consequence: frameshift variant. On other transcripts: non-coding transcript variant (2).
Genome position (GRCh38, 1-based): chr5:112,840,283-112,840,286, ATTA deleted. VCF-style (leftmost placement, unchanged base first): chr5-112840282-TATTA-T. GRCh37 (hg19) VCF-style: chr5-112175979-TATTA-T.
Other names: c.4689_4692del, p.Leu1564fs (NM_001127510.3, NM_001354895.2, NM_001407450.1); c.4635_4638del, p.Leu1546fs (NM_001127511.3); c.4743_4746del, p.Leu1582fs (NM_001354896.2, NM_001407447.1, NM_001407448.1 and 1 more transcripts); c.4719_4722del, p.Leu1574fs (NM_001354897.2); c.4614_4617del, p.Leu1539fs (NM_001354898.2); c.4605_4608del, p.Leu1536fs (NM_001354899.2); c.4566_4569del, p.Leu1523fs (NM_001354900.2); c.4512_4515del, p.Leu1505fs (NM_001354901.2, NM_001407453.1); and 11 more; short protein forms L1180fs, L1281fs, L1404fs, L1435fs, L1438fs, L1463fs, L1473fs, L1481fs.
Identifiers: ClinVar variation 2583365 (VCV002583365.2), dbSNP rs2533592736, ClinGen allele CA2582341344.
Genomic context (GRCh38, chr5:112,840,282, plus strand): 5'-AAGAATCAAATGAAAACCAAGAGAAAGAGGCAGAAAAAACTATTGATTCTGAAAAGGACC[TATTA>T]GATGATTCAGATGATGATGATATTGAAATACTAGAAGAATGTATTATTTCTGCCATGCCA-3'

ClinVar aggregate classification (germline): Pathogenic (1 of 4 stars; one submission).

Conditions:
Familial adenomatous polyposis 1 (FAP1). Also called: POLYPOSIS, ADENOMATOUS INTESTINAL; FAMILIAL ADENOMATOUS POLYPOSIS 1, ATTENUATED. Identifiers: MedGen C2713442, MONDO:0021056, OMIM 175100. Disease mechanism: loss of function.

Submission:

Myriad Genetics, Inc.
Classification: Pathogenic for Familial adenomatous polyposis 1. Last evaluated: 2023-05-11. Review status: criteria provided, single submitter. Criteria: Myriad Autosomal Dominant, Autosomal Recessive and X-Linked Classification Criteria (2023). Collection method: clinical testing. Allele origin: unknown.
Comment: This variant is considered pathogenic. This variant creates a frameshift predicted to result in premature protein truncation.